The following is an entry in ClinVar:

NM_000154.2(GALK1):c.1031C>T (p.Thr344Met)

Gene: GALK1 (galactokinase 1; minus strand). Cytogenetic location: 17q25.1.
Variant type: single nucleotide variant.
Coding change: c.1031C>T on transcript NM_000154.2 (MANE Select); coding-DNA position 1031, C replaced by T.
Protein change: p.Thr344Met; replaces threonine 344 with methionine.
Molecular consequence: missense variant.
Genome position (GRCh38, 1-based): chr17:75,758,286, G>A on the plus strand (C>T on the coding strand, the complement: GALK1 is on the minus strand). VCF-style: chr17-75758286-G-A. GRCh37 (hg19) VCF-style: chr17-73754367-G-A.
Other names: short protein forms T344M.
Identifiers: ClinVar variation 551596 (VCV000551596.15), dbSNP rs371517491, ClinGen allele CA8770760.
Genomic context (GRCh38, chr17:75,758,286, plus strand): 5'-GCGTGGGGAGCAGCGGAGGCCTCCAGCAGTGTCACCGTGCAGCCACCGAAGCCACCGCCC[G>A]TCATGCGGCTGCCATAAACCCCAGGCACAGCAAGCGCAGCCTCCACCAGCTGGTCCAGCT-3'
Protein context (NP_000145.1, residues 334-354): AVPGVYGSRM[Thr344Met]GGGFGGCTVT

ClinVar aggregate classification (germline): Pathogenic/Likely pathogenic. Review status: criteria provided, multiple submitters, no conflicts (2 of 4 stars). 5 submissions from 5 submitters: Pathogenic (1); Likely pathogenic (3). 1 of the submissions does not count toward it. Last evaluated 2025-06-30.

Conditions:
Deficiency of galactokinase. Also called: Galactokinase deficiency with cataracts; GALACTOSEMIA II. Identifiers: Orphanet 352, Orphanet 79237, MedGen C0268155, MONDO:0009255, OMIM 230200.

Allele frequency attached by ClinVar (database versions not stated): gnomAD exomes 0.00001 and 0.00002; gnomAD 0.00003 and 0.00004; TOPMed 0.00003; ExAC 0.00004; ESP Exome Variant Server 0.00008.
gnomAD v4.1: 36 of 1,591,278 alleles (0.0023%); highest among the groups gnomAD compares: Middle Eastern, 0.016%; no homozygotes.

Submissions (5):

Natera, Inc.
Classification: Likely pathogenic for Deficiency of galactokinase. Last evaluated: 2025-06-30. Review status: criteria provided, single submitter. Criteria: Natera Variant Classification Schema (03/2026). Collection method: clinical testing. Allele origin: germline.
Comment: The c.1031C>T variant in GALK1 is a missense variant predicted to cause substitution of threonine to methionine at amino acid 344. This variant is rare in the general population with a frequency below the threshold expected for the associated phenotype(s). This variant has been observed in one or more individuals affected with the associated recessive disease, as either homozygous or compound heterozygous with a second variant (PMID: 10570908). Functional studies show that this variant may disrupt protein function (PMID: 10570908). Computational prediction algorithms indicate this variant is likely to affect gene or protein function. Given the available evidence, this variant is classified as Likely Pathogenic.

Fulgent Genetics
Classification: Likely pathogenic for Deficiency of galactokinase. Last evaluated: 2024-04-09. Review status: criteria provided, single submitter. Criteria: ACMG Guidelines, 2015. Collection method: clinical testing. Allele origin: germline.

Revvity Omics, Revvity
Classification: Likely pathogenic for Deficiency of galactokinase. Last evaluated: 2022-08-02. Review status: criteria provided, single submitter. Criteria: ACMG Guidelines, 2015. Collection method: clinical testing. Allele origin: germline.

Women's Health and Genetics/Laboratory Corporation of America, LabCorp
Classification: Pathogenic for Deficiency of galactokinase. Last evaluated: 2021-03-26. Review status: criteria provided, single submitter. Criteria: LabCorp Variant Classification Summary - May 2015. Collection method: clinical testing. Allele origin: germline.
Comment: Variant summary: GALK1 c.1031C>T (p.Thr344Met) results in a non-conservative amino acid change located in the GHMP kinase, C-terminal domain (IPR013750) of the encoded protein sequence. Five of five in-silico tools predict a damaging effect of the variant on protein function. The variant allele was found at a frequency of 1.5e-05 in 205992 control chromosomes. c.1031C>T has been reported in the literature in at-least three Japanese individuals affected with Deficiency Of Galactokinase (example, Asada_1999). These data indicate that the variant is likely to be associated with disease. At least one publication reports experimental evidence evaluating an impact on protein function. The most pronounced variant effect results in <10% of normal GALK enzyme activity in patient erythrocytes as well as in an in-vitro COS cell expression system. One clinical diagnostic laboratory has submitted clinical-significance assessments for this variant to ClinVar after 2014 and classified the variant as likely pathogenic. Based on the evidence outlined above, the variant was classified as pathogenic.

Counsyl
Classification: Likely pathogenic for Deficiency of galactokinase. Last evaluated: 2017-04-25. Review status: no assertion criteria provided. Collection method: clinical testing. Allele origin: unknown. Not counted in ClinVar's aggregate classification.

Literature cited by the submitters: PubMed 10570908 (cited by 3 submitters); PubMed 29893426 (cited by Women's Health and Genetics/Laboratory Corporation of America, LabCorp).